The following is an entry in ClinVar:

ClinVar aggregate classification (germline): Pathogenic (1 of 4 stars; one submission).

Conditions:
Neurofibromatosis, type 1 (NF1). Also called: NEUROFIBROMATOSIS, TYPE I, SOMATIC; Neurofibromatosis, type I; Peripheral type neurofibromatosis; VON RECKLINGHAUSEN DISEASE. Identifiers: Orphanet 636, MedGen C0027831, MONDO:0018975, OMIM 162200. Disease mechanism: loss of function.

Submission:

Labcorp Genetics (formerly Invitae), Labcorp
Classification: Pathogenic for Neurofibromatosis, type 1. Last evaluated: 2022-08-16. Review status: criteria provided, single submitter. Criteria: Invitae Variant Classification Sherloc (09022015). Collection method: clinical testing. Allele origin: germline.
Comment: This variant is not present in population databases (gnomAD no frequency). For these reasons, this variant has been classified as Pathogenic. This variant has not been reported in the literature in individuals affected with NF1-related conditions. This sequence change creates a premature translational stop signal (p.Met442Asnfs*4) in the NF1 gene. It is expected to result in an absent or disrupted protein product. Loss-of-function variants in NF1 are known to be pathogenic (PMID: 10712197, 23913538).

Literature cited by the submitters: PubMed 10712197; PubMed 23913538.

NM_001042492.3(NF1):c.1324dup (p.Met442fs)

Gene: NF1 (neurofibromin 1; plus strand). Cytogenetic location: 17q11.2.
Variant type: Duplication.
Coding change: c.1324dup on transcript NM_001042492.3 (MANE Select); coding-DNA position 1324, one base duplicated (A; older notation c.1324dupA).
Protein change: p.Met442fs; shifts the reading frame from methionine 442.
Molecular consequence: frameshift variant.
Genome position (GRCh38, 1-based): chr17:31,206,303, A duplicated. VCF-style (leftmost placement, unchanged base first): chr17-31206302-T-TA. GRCh37 (hg19) VCF-style: chr17-29533320-T-TA.
Other names: c.1324dup, p.Met442Asnfs (NM_000267.4); c.1324dup, p.Met442fs (NM_001128147.3); short protein forms M442fs.
Identifiers: ClinVar variation 2024260 (VCV002024260.4), dbSNP rs2544811134, ClinGen allele CA2580093035.